The following is an entry in ClinVar:

ClinVar aggregate classification (germline): Uncertain significance (1 of 4 stars; one submission).

Submission:

GeneDx
Classification: Uncertain significance. Last evaluated: 2025-02-13. Review status: criteria provided, single submitter. Criteria: GeneDx Variant Classification Process June 2021. Collection method: clinical testing. Allele origin: germline. Affected: yes.
Comment: Not observed at significant frequency in large population cohorts (gnomAD); In silico analysis supports that this missense variant has a deleterious effect on protein structure/function; In silico analysis is inconclusive as to whether the variant alters gene splicing. In the absence of RNA/functional studies, the actual effect of this sequence change is unknown.; Has not been previously published as pathogenic or benign to our knowledge

NM_001145252.3(CFP):c.1214G>C (p.Arg405Pro)

Gene: CFP (complement factor properdin; minus strand). Cytogenetic location: Xp11.23.
Variant type: single nucleotide variant.
Coding change: c.1214G>C on transcript NM_001145252.3 (MANE Select); coding-DNA position 1214, G replaced by C.
Protein change: p.Arg405Pro; replaces arginine 405 with proline.
Molecular consequence: missense variant.
Genome position (GRCh38, 1-based): chrX:47,626,088, C>G on the plus strand (G>C on the coding strand, the complement: CFP is on the minus strand). VCF-style: chrX-47626088-C-G. GRCh37 (hg19) VCF-style: chrX-47485487-C-G.
Other names: c.1214G>C, p.Arg405Pro (NM_002621.2); short protein forms R405P.
Identifiers: ClinVar variation 4075570 (VCV004075570.1).